The following is an entry in ClinVar:

ClinVar aggregate classification (germline): Benign/Likely benign. Review status: criteria provided, multiple submitters, no conflicts (2 of 4 stars). 4 submissions from 4 submitters: Benign (1); Likely benign (3). Last evaluated 2026-03-01.

Conditions:
Tyrosinase-positive oculocutaneous albinism (OCA2). Also called: ALBINISM II; Oculocutaneous albinism type 2; Albinism, oculocutaneous, type II. Identifiers: Orphanet 79432, MedGen C0268495, MONDO:0008746, OMIM 203200.

Allele frequency attached by ClinVar (database versions not stated): ESP Exome Variant Server 0.00008; gnomAD 0.00026; gnomAD exomes 0.00031 and 0.00153; 1000 Genomes Project 0.00040; 1000 Genomes Project 30x 0.00047; TOPMed 0.00071; ExAC 0.00139.
gnomAD v4.1: 485 of 1,613,566 alleles (0.03%); highest among the groups gnomAD compares: Admixed American, 0.69%; 5 homozygotes.

Submissions (4):

CeGaT Center for Human Genetics Tuebingen
Classification: Likely benign. Last evaluated: 2026-03-01. Review status: criteria provided, single submitter. Criteria: CeGaT Center For Human Genetics Tuebingen Variant Classification Criteria Version 2. Collection method: clinical testing. Allele origin: germline. Affected: yes. Observed: 1 variant allele.
Comment: OCA2: BP4, BP7

Labcorp Genetics (formerly Invitae), Labcorp
Classification: Benign. Last evaluated: 2026-01-26. Review status: criteria provided, single submitter. Criteria: Invitae Variant Classification Sherloc (09022015). Collection method: clinical testing. Allele origin: germline.

Illumina Laboratory Services, Illumina
Classification: Likely benign for Tyrosinase-positive oculocutaneous albinism. Last evaluated: 2018-01-13. Review status: criteria provided, single submitter. Criteria: ICSL Variant Classification Criteria 13 December 2019. Collection method: clinical testing. Allele origin: germline.
Comment: This variant was observed in the ICSL laboratory as part of a predisposition screen in an ostensibly healthy population. It had not been previously curated by ICSL or reported in the Human Gene Mutation Database (HGMD: prior to June 1st, 2018), and was therefore a candidate for classification through an automated scoring system. Utilizing variant allele frequency, disease prevalence and penetrance estimates, and inheritance mode, an automated score was calculated to assess if this variant is too frequent to cause the disease. Based on the score and internal cut-off values, a variant classified as likely benign is not then subjected to further curation. The score for this variant resulted in a classification of likely benign for this disease.

PreventionGenetics, part of Exact Sciences
Classification: Likely benign. Review status: criteria provided, single submitter. Criteria: ACMG Guidelines, 2015. Collection method: clinical testing. Allele origin: germline.

NM_000275.3(OCA2):c.144G>A (p.Ser48=)

Gene: OCA2 (OCA2 melanosomal transmembrane protein; minus strand). Cytogenetic location: 15q13.1.
Variant type: single nucleotide variant.
Coding change: c.144G>A on transcript NM_000275.3 (MANE Select); coding-DNA position 144, G replaced by A.
Protein change: p.Ser48=; no amino-acid change (serine 48 retained).
Molecular consequence: synonymous variant.
Genome position (GRCh38, 1-based): chr15:28,081,731, C>T on the plus strand (G>A on the coding strand, the complement: OCA2 is on the minus strand). VCF-style: chr15-28081731-C-T. GRCh37 (hg19) VCF-style: chr15-28326877-C-T.
Other names: c.144G>A, p.Ser48= (NM_001300984.2).
Identifiers: ClinVar variation 255721 (VCV000255721.18), dbSNP rs374819923, ClinGen allele CA7439567.